The following is an entry in ClinVar:

NM_020376.4(PNPLA2):c.704G>A (p.Arg235Gln)

Gene: PNPLA2 (patatin like domain 2, triacylglycerol lipase; plus strand). Cytogenetic location: 11p15.5.
Variant type: single nucleotide variant.
Coding change: c.704G>A on transcript NM_020376.4 (MANE Select); coding-DNA position 704, G replaced by A.
Protein change: p.Arg235Gln; replaces arginine 235 with glutamine.
Molecular consequence: missense variant.
Genome position (GRCh38, 1-based): chr11:823,534, G>A. VCF-style: chr11-823534-G-A. GRCh37 (hg19) VCF-style: chr11-823534-G-A.
Other names: short protein forms R235Q.
Identifiers: ClinVar variation 1025393 (VCV001025393.4), dbSNP rs1162630638, ClinGen allele CA378980779.

ClinVar aggregate classification (germline): Uncertain significance (1 of 4 stars; one submission).

Conditions:
Neutral lipid storage myopathy (NLSDM). Also called: NEUTRAL LIPID STORAGE DISEASE WITHOUT ICHTHYOSIS. Identifiers: Orphanet 98908, MedGen C1853136, MONDO:0012545, OMIM 610717.

Allele frequency attached by ClinVar (database versions not stated): TOPMed 0.00001.
gnomAD v4.1: 6 of 1,609,504 alleles (0.00037%); highest among the groups gnomAD compares: Non-Finnish European, 0.00042%; no homozygotes.

Submission:

Labcorp Genetics (formerly Invitae), Labcorp
Classification: Uncertain significance for Neutral lipid storage myopathy. Last evaluated: 2022-06-13. Review status: criteria provided, single submitter. Criteria: Invitae Variant Classification Sherloc (09022015). Collection method: clinical testing. Allele origin: germline.
Comment: In summary, the available evidence is currently insufficient to determine the role of this variant in disease. Therefore, it has been classified as a Variant of Uncertain Significance. Algorithms developed to predict the effect of missense changes on protein structure and function (SIFT, PolyPhen-2, Align-GVGD) all suggest that this variant is likely to be tolerated. ClinVar contains an entry for this variant (Variation ID: 1025393). This variant has not been reported in the literature in individuals affected with PNPLA2-related conditions. This variant is not present in population databases (gnomAD no frequency). This sequence change replaces arginine, which is basic and polar, with glutamine, which is neutral and polar, at codon 235 of the PNPLA2 protein (p.Arg235Gln).